The following is an entry in ClinVar:

ClinVar aggregate classification (germline): Likely benign. Review status: criteria provided, multiple submitters, no conflicts (2 of 4 stars). 4 submissions from 4 submitters: Likely benign (3). 1 of the submissions does not count toward it. Last evaluated 2025-05-05.

Conditions:
Inborn genetic diseases. Identifiers: MedGen C0950123, MeSH D030342.
KIDINS220-related disorder. Also called: KIDINS220-related condition.

Allele frequency attached by ClinVar (database versions not stated): ExAC 0.00014; gnomAD exomes 0.00014; gnomAD 0.00038 and 0.00041; TOPMed 0.00039; ESP Exome Variant Server 0.00041; 1000 Genomes Project 0.00100; 1000 Genomes Project 30x 0.00109.
gnomAD v4.1: 122 of 1,588,792 alleles (0.0077%); highest among the groups gnomAD compares: African/African-American, 0.14%; no homozygotes.

Submissions (4):

Labcorp Genetics (formerly Invitae), Labcorp
Classification: Likely benign. Last evaluated: 2025-05-05. Review status: criteria provided, single submitter. Criteria: Invitae Variant Classification Sherloc (09022015). Collection method: clinical testing. Allele origin: germline.

Ambry Genetics
Classification: Likely benign for Inborn genetic diseases. Last evaluated: 2022-09-22. Review status: criteria provided, single submitter. Criteria: Ambry Variant Classification Scheme 2023. Collection method: clinical testing. Allele origin: germline.

Breakthrough Genomics
Classification: Likely benign. Review status: criteria provided, single submitter. Criteria: ACMG Guidelines, 2015. Collection method: not provided. Allele origin: germline. Inheritance: Autosomal recessive inheritance. Affected: yes.

PreventionGenetics, part of Exact Sciences
Classification: Likely benign for KIDINS220-related condition. Last evaluated: 2022-09-30. Review status: no assertion criteria provided. Collection method: clinical testing. Allele origin: germline. Not counted in ClinVar's aggregate classification.
Comment: This variant is classified as likely benign based on ACMG/AMP sequence variant interpretation guidelines (Richards et al. 2015 PMID: 25741868, with internal and published modifications).

NM_020738.4(KIDINS220):c.3847G>A (p.Val1283Met)

Gene: KIDINS220 (kinase D interacting substrate 220; minus strand). Cytogenetic location: 2p25.1.
Variant type: single nucleotide variant.
Coding change: c.3847G>A on transcript NM_020738.4 (MANE Select); coding-DNA position 3847, G replaced by A.
Protein change: p.Val1283Met; replaces valine 1283 with methionine.
Molecular consequence: missense variant. On other transcripts: non-coding transcript variant (2).
Genome position (GRCh38, 1-based): chr2:8,733,650, C>T on the plus strand (G>A on the coding strand, the complement: KIDINS220 is on the minus strand). VCF-style: chr2-8733650-C-T. GRCh37 (hg19) VCF-style: chr2-8873780-C-T.
Other names: c.3850G>A, p.Val1284Met (NM_001348729.2); c.3793G>A, p.Val1265Met (NM_001348731.2); c.3790G>A, p.Val1264Met (NM_001348732.2, NM_001348738.2); c.3679G>A, p.Val1227Met (NM_001348734.2, NM_001348739.2, NM_001348740.2); c.3676G>A, p.Val1226Met (NM_001348735.2, NM_001348741.2, NM_001348742.2 and 1 more transcripts); c.3550G>A, p.Val1184Met (NM_001348736.2); c.3847G>A (NM_020738.2); short protein forms V1184M, V1226M, V1227M, V1264M, V1265M, V1283M, V1284M.
Identifiers: ClinVar variation 1160732 (VCV001160732.13), dbSNP rs140417878, ClinGen allele CA1519495.